The following is an entry in ClinVar:

NM_001273.5(CHD4):c.4091C>A (p.Ser1364Tyr)

Genes: CHD4 (chromodomain helicase DNA binding protein 4; minus strand), CHD4-AS1 (CHD4 antisense RNA 1; plus strand). Cytogenetic location: 12p13.31.
Variant type: single nucleotide variant.
Coding change: c.4091C>A on transcript NM_001273.5 (MANE Select); coding-DNA position 4091, C replaced by A.
Protein change: p.Ser1364Tyr; replaces serine 1364 with tyrosine.
Molecular consequence: missense variant.
Genome position (GRCh38, 1-based): chr12:6,583,083, G>T on the plus strand (C>A on the coding strand, the complement: CHD4 is on the minus strand). VCF-style: chr12-6583083-G-T. GRCh37 (hg19) VCF-style: chr12-6692249-G-T.
Other names: c.4070C>A, p.Ser1357Tyr (NM_001297553.2); c.4052C>A, p.Ser1351Tyr (NM_001363606.2); short protein forms S1351Y, S1357Y, S1364Y.
Identifiers: ClinVar variation 2580533 (VCV002580533.2), dbSNP rs2540383095, ClinGen allele CA383576099.

ClinVar aggregate classification (germline): Uncertain significance (1 of 4 stars; one submission).

Submission:

GeneDx
Classification: Uncertain significance. Last evaluated: 2024-04-29. Review status: criteria provided, single submitter. Criteria: GeneDx Variant Classification Process June 2021. Collection method: clinical testing. Allele origin: germline.
Comment: Not observed at significant frequency in large population cohorts (gnomAD); In silico analysis supports that this missense variant has a deleterious effect on protein structure/function; Has not been previously published as pathogenic or benign to our knowledge